The following is an entry in ClinVar:

NM_014043.4(CHMP2B):c.121C>G (p.Gln41Glu)

Gene: CHMP2B (charged multivesicular body protein 2B; plus strand). Cytogenetic location: 3p11.2.
Variant type: single nucleotide variant.
Coding change: c.121C>G on transcript NM_014043.4 (MANE Select); coding-DNA position 121, C replaced by G.
Protein change: p.Gln41Glu; replaces glutamine 41 with glutamic acid.
Molecular consequence: missense variant. On other transcripts: intron variant (1).
Genome position (GRCh38, 1-based): chr3:87,240,785, C>G. VCF-style: chr3-87240785-C-G. GRCh37 (hg19) VCF-style: chr3-87289935-C-G.
Other names: c.4-4929C>G (NM_001244644.2); c.217C>G, p.Gln73Glu (NM_001410777.1); short protein forms Q41E, Q73E.
Identifiers: ClinVar variation 4848763 (VCV004848763.1).

ClinVar aggregate classification (germline): Uncertain significance (1 of 4 stars; one submission).

Submission:

Women's Health and Genetics/Laboratory Corporation of America, LabCorp
Classification: Uncertain significance. Last evaluated: 2026-04-08. Review status: criteria provided, single submitter. Criteria: LabCorp Variant Classification Summary - May 2015. Collection method: clinical testing. Allele origin: germline.
Comment: Variant summary: CHMP2B c.121C>G (p.Gln41Glu) results in a conservative amino acid change in the encoded protein sequence. Algorithms developed to predict the effect of missense changes on protein structure and function are either unavailable or do not agree on the potential impact of this missense change. The variant was absent in 251260 control chromosomes. The available data on variant occurrences in the general population are insufficient to allow any conclusion about variant significance. To our knowledge, no occurrence of c.121C>G in individuals affected with CHMP2B-related conditions and no experimental evidence demonstrating its impact on protein function have been reported. No submitters have cited clinical-significance assessments for this variant to ClinVar. Based on the evidence outlined above, the variant was classified as uncertain significance.